The following is an entry in ClinVar:

ClinVar aggregate classification (germline): Uncertain significance. Review status: criteria provided, multiple submitters, no conflicts (2 of 4 stars). 2 submissions from 2 submitters: Uncertain significance (2). Last evaluated 2024-02-22.

Allele frequency attached by ClinVar (database versions not stated): gnomAD exomes below 0.00001 and 0.00001; TOPMed 0.00001; gnomAD 0.00003 and 0.00004.
gnomAD v4.1: 8 of 1,606,322 alleles (0.0005%); highest among the groups gnomAD compares: African/African-American, 0.0067%; no homozygotes.

Submissions (2):

Ambry Genetics
Classification: Uncertain significance. Last evaluated: 2024-02-22. Review status: criteria provided, single submitter. Criteria: Ambry Variant Classification Scheme 2023. Collection method: clinical testing. Allele origin: germline.
Comment: The p.M453V variant (also known as c.1357A>G), located in coding exon 10 of the RINT1 gene, results from an A to G substitution at nucleotide position 1357. The methionine at codon 453 is replaced by valine, an amino acid with highly similar properties. This amino acid position is conserved. In addition, the in silico prediction for this alteration is inconclusive. Since supporting evidence is limited at this time, the clinical significance of this alteration remains unclear.

Labcorp Genetics (formerly Invitae), Labcorp
Classification: Uncertain significance. Last evaluated: 2019-10-29. Review status: criteria provided, single submitter. Criteria: Invitae Variant Classification Sherloc (09022015). Collection method: clinical testing. Allele origin: germline.
Comment: This sequence change replaces methionine with valine at codon 453 of the RINT1 protein (p.Met453Val). The methionine residue is moderately conserved and there is a small physicochemical difference between methionine and valine. This variant is not present in population databases (ExAC no frequency). This variant has not been reported in the literature in individuals with RINT1-related conditions. Algorithms developed to predict the effect of missense changes on protein structure and function (SIFT, PolyPhen-2, Align-GVGD) all suggest that this variant is likely to be tolerated, but these predictions have not been confirmed by published functional studies and their clinical significance is uncertain. Algorithms developed to predict the effect of sequence changes on RNA splicing suggest that this variant may create or strengthen a splice site, but this prediction has not been confirmed by published transcriptional studies. In summary, the available evidence is currently insufficient to determine the role of this variant in disease. Therefore, it has been classified as a Variant of Uncertain Significance.

NM_021930.6(RINT1):c.1357A>G (p.Met453Val)

Gene: RINT1 (RAD50 interactor 1; plus strand). Cytogenetic location: 7q22.3.
Variant type: single nucleotide variant.
Coding change: c.1357A>G on transcript NM_021930.6 (MANE Select); coding-DNA position 1357, A replaced by G.
Protein change: p.Met453Val; replaces methionine 453 with valine.
Molecular consequence: missense variant. On other transcripts: non-coding transcript variant (1).
Genome position (GRCh38, 1-based): chr7:105,551,593, A>G. VCF-style: chr7-105551593-A-G. GRCh37 (hg19) VCF-style: chr7-105192040-A-G.
Other names: c.1123A>G, p.Met375Val (NM_001346599.2); c.334A>G, p.Met112Val (NM_001346600.2, NM_001346603.2); c.433A>G, p.Met145Val (NM_001346601.2); short protein forms M453V, M145V, M375V, M112V.
Identifiers: ClinVar variation 961609 (VCV000961609.12), dbSNP rs1184845991, ClinGen allele CA368809700.